The following is an entry in ClinVar:

ClinVar aggregate classification (germline): Pathogenic (1 of 4 stars; one submission).

Conditions:
Charcot-Marie-Tooth disease, type I (CMT1). Also called: Charcot-Marie-Tooth, Type 1; Charcot-Marie-Tooth disease type 1. Identifiers: Orphanet 65753, MedGen C0751036, MONDO:0019011.

Submission:

Labcorp Genetics (formerly Invitae), Labcorp
Classification: Pathogenic for Charcot-Marie-Tooth disease, type I. Last evaluated: 2022-04-25. Review status: criteria provided, single submitter. Criteria: Invitae Variant Classification Sherloc (09022015). Collection method: clinical testing. Allele origin: germline.
Comment: This variant is not present in population databases (gnomAD no frequency). This sequence change replaces histidine, which is basic and polar, with glutamine, which is neutral and polar, at codon 12 of the PMP22 protein (p.His12Gln). A different variant (c.36C>A) giving rise to the same protein effect has been determined to be pathogenic (PMID: 7728152, 10078969). This suggests that this variant is also likely to be causative of disease. For these reasons, this variant has been classified as Pathogenic. This variant disrupts the p.His12 amino acid residue in PMP22. Other variant(s) that disrupt this residue have been determined to be pathogenic (PMID: 10915775). This suggests that this residue is clinically significant, and that variants that disrupt this residue are likely to be disease-causing. Algorithms developed to predict the effect of sequence changes on RNA splicing suggest that this variant may create or strengthen a splice site. Algorithms developed to predict the effect of missense changes on protein structure and function are either unavailable or do not agree on the potential impact of this missense change (SIFT: "Deleterious"; PolyPhen-2: "Benign"; Align-GVGD: "Class C15").

Literature cited by the submitters: PubMed 7728152; PubMed 10078969; PubMed 10915775.

NM_000304.4(PMP22):c.36C>G (p.His12Gln)

Gene: PMP22 (peripheral myelin protein 22; minus strand). Cytogenetic location: 17p12.
Variant type: single nucleotide variant.
Coding change: c.36C>G on transcript NM_000304.4 (MANE Select); coding-DNA position 36, C replaced by G.
Protein change: p.His12Gln; replaces histidine 12 with glutamine.
Molecular consequence: missense variant.
Genome position (GRCh38, 1-based): chr17:15,260,692, G>C on the plus strand (C>G on the coding strand, the complement: PMP22 is on the minus strand). VCF-style: chr17-15260692-G-C. GRCh37 (hg19) VCF-style: chr17-15164009-G-C.
Other names: c.36C>G, p.His12Gln (NM_001281455.2, NM_001281456.2, NM_001330143.2 and 2 more transcripts); short protein forms H12Q.
Identifiers: ClinVar variation 2044604 (VCV002044604.4), dbSNP rs104894622, ClinGen allele CA398271729.